The following is an entry in ClinVar:

NR_033294.2(SNORD118):n.119G>T

Genes: SNORD118 (small nucleolar RNA, C/D box 118; minus strand), TMEM107 (transmembrane protein 107; minus strand). Cytogenetic location: 17p13.1.
Variant type: single nucleotide variant.
Molecular consequence: 3 prime UTR variant (on NM_183065.4). On other transcripts: non-coding transcript variant (2).
Genome position: GRCh38 VCF-style: chr17-8173470-C-A. GRCh37 (hg19) VCF-style: chr17-8076788-C-A.
Other names: c.*733G>T (NM_001351278.2, NM_001351279.2, NM_001351280.2 and 2 more transcripts).
Identifiers: ClinVar variation 973324 (VCV000973324.4), dbSNP rs186890613, ClinGen allele CA287524013.
Genomic context (GRCh38, chr17:8,173,470, plus strand): 5'-TCTGCTAATCAGCATAACACAAATGTAAGTGATCGTCAGAAAGAATCAGACAGGAGCAAT[C>A]AGGGTGTTGCAAGTCCTGATTACGCAGAGACGTTAATCACGTTTCATGCATCTCCAATCA-3'

ClinVar aggregate classification (germline): Uncertain significance (1 of 4 stars; one submission).

Conditions:
Leukoencephalopathy with calcifications and cysts. Also called: Leukoencephalopathy, brain calcifications, and cysts; LABRUNE SYNDROME. Identifiers: Orphanet 542310, MedGen C3281200, MONDO:0013803, OMIM 614561.

Allele frequency attached by ClinVar (database versions not stated): 1000 Genomes Project 30x 0.00016.
gnomAD v4.1: 3 of 764,528 alleles (0.00039%); highest among the groups gnomAD compares: East Asian, 0.0024%; no homozygotes.

Submission:

Illumina Laboratory Services, Illumina
Classification: Uncertain significance for Leukoencephalopathy with calcifications and cysts. Last evaluated: 2019-09-17. Review status: criteria provided, single submitter. Criteria: ICSLVariantClassificationCriteria RUGD 01 April 2020. Collection method: clinical testing. Allele origin: unknown.
Comment: The SNORD118 n.119G>T variant is a single nucleotide change that occurs within the mature snoRNA U8. A literature search was performed for the gene and nucleotide change. No publications were identified through this search. The n.119G>T variant is not reported in the Genome Aggregation Database despite being located in a region of good sequencing coverage. It is therefore presumed to be rare. The n.119G>T variant is not in the C box, LSm, or D box binding sites. However, based on the predicted structure, it is located in the stem of a highly conserved hairpin loop (Jenkinson et al. 2016). Several other variants in this loop have been identified in patients and are predicted to decrease the stability of this structure. Based on the limited evidence available, the n.119G>T variant is classified as a variant of unknown significance for leukoencephalopathy, brain calcifications, and cysts.

Literature cited by the submitters: PubMed 27571260.